The following is an entry in ClinVar:

ClinVar aggregate classification (germline): Uncertain significance. Review status: criteria provided, multiple submitters, no conflicts (2 of 4 stars). 2 submissions from 2 submitters: Uncertain significance (2). Last evaluated 2021-09-30.

Submissions (2):

Ambry Genetics
Classification: Uncertain significance. Last evaluated: 2021-09-30. Review status: criteria provided, single submitter. Criteria: Ambry Variant Classification Scheme 2023. Collection method: clinical testing. Allele origin: germline.

Labcorp Genetics (formerly Invitae), Labcorp
Classification: Uncertain significance. Last evaluated: 2020-12-25. Review status: criteria provided, single submitter. Criteria: Invitae Variant Classification Sherloc (09022015). Collection method: clinical testing. Allele origin: germline.
Comment: This sequence change replaces serine with threonine at codon 203 of the DLX4 protein (p.Ser203Thr). The serine residue is highly conserved and there is a small physicochemical difference between serine and threonine. This variant is not present in population databases (ExAC no frequency). This variant has not been reported in the literature in individuals with DLX4-related disease. Algorithms developed to predict the effect of missense changes on protein structure and function (SIFT, PolyPhen-2, Align-GVGD) all suggest that this variant is likely to be tolerated, but these predictions have not been confirmed by published functional studies and their clinical significance is uncertain. In summary, the available evidence is currently insufficient to determine the role of this variant in disease. Therefore, it has been classified as a Variant of Uncertain Significance.

NM_138281.3(DLX4):c.607T>A (p.Ser203Thr)

Gene: DLX4 (distal-less homeobox 4; plus strand). Cytogenetic location: 17q21.33.
Variant type: single nucleotide variant.
Coding change: c.607T>A on transcript NM_138281.3 (MANE Select); coding-DNA position 607, T replaced by A.
Protein change: p.Ser203Thr; replaces serine 203 with threonine.
Molecular consequence: missense variant.
Genome position (GRCh38, 1-based): chr17:49,973,827, T>A. VCF-style: chr17-49973827-T-A. GRCh37 (hg19) VCF-style: chr17-48051191-T-A.
Other names: c.391T>A, p.Ser131Thr (NM_001934.4); short protein forms S131T, S203T.
Identifiers: ClinVar variation 2066999 (VCV002066999.2), dbSNP rs201875580, ClinGen allele CA291490593.
Genomic context (GRCh38, chr17:49,973,827, plus strand): 5'-CAGGAAGGGGACTTCCCTGGGAGGACCTTCTCTGTGTCTCCCTGCTCCCCACCCCTCCCC[T>A]CCCTCTGGGATCTACCCAAGGCAGGGACCCTGCCCACCAGTGGCTATGGCAACAGCTTTG-3'
Protein context (NP_612138.1, residues 193-213): SVSPCSPPLP[Ser203Thr]LWDLPKAGTL